The following is an entry in ClinVar:

NM_000238.4(KCNH2):c.774del (p.Asp259fs)

Gene: KCNH2 (potassium voltage-gated channel subfamily H member 2; minus strand). Cytogenetic location: 7q36.1.
Variant type: Deletion.
Coding change: c.774del on transcript NM_000238.4 (MANE Select); coding-DNA position 774, one base deleted (C; older notation c.774delC).
Protein change: p.Asp259fs; shifts the reading frame from aspartic acid 259.
Molecular consequence: frameshift variant. On other transcripts: non-coding transcript variant (1).
Genome position (GRCh38, 1-based): chr7:150,958,201, G deleted on the plus strand (C on the coding strand, the reverse complement: KCNH2 is on the minus strand); the first of 4 consecutive G bases (chr7:150,958,201-150,958,204); deleting any one gives the same sequence. VCF-style (leftmost placement, unchanged base first): chr7-150958200-CG-C. GRCh37 (hg19) VCF-style: chr7-150655288-CG-C.
Other names: c.597del, p.Asp200fs (NM_001406755.1); c.486del, p.Asp163fs (NM_001406756.1, NM_001406753.1); c.474del, p.Asp159fs (NM_001406757.1); c.774del, p.Asp259fs (NM_172056.3); short protein forms D163fs, D259fs, D159fs, D200fs.
Identifiers: ClinVar variation 3644294 (VCV003644294.2).

ClinVar aggregate classification (germline): Pathogenic (1 of 4 stars; one submission).

Conditions:
Long QT syndrome (LQTS). Identifiers: MedGen C0023976, MeSH D008133, MONDO:0002442. Disease mechanism: loss of function. Inheritance: Various modes of inheritance.

Submission:

Labcorp Genetics (formerly Invitae), Labcorp
Classification: Pathogenic for Long QT syndrome. Last evaluated: 2024-03-04. Review status: criteria provided, single submitter. Criteria: Invitae Variant Classification Sherloc (09022015). Collection method: clinical testing. Allele origin: germline.
Comment: This sequence change creates a premature translational stop signal (p.Asp259Thrfs*101) in the KCNH2 gene. It is expected to result in an absent or disrupted protein product. Loss-of-function variants in KCNH2 are known to be pathogenic (PMID: 10973849, 19862833). This variant is not present in population databases (gnomAD no frequency). This variant has not been reported in the literature in individuals affected with KCNH2-related conditions. For these reasons, this variant has been classified as Pathogenic.

Literature cited by the submitters: PubMed 10973849; PubMed 19862833.